The following is an entry in ClinVar:

ClinVar aggregate classification (germline): Benign/Likely benign. Review status: criteria provided, multiple submitters, no conflicts (2 of 4 stars). 4 submissions from 4 submitters: Benign (1); Likely benign (2). 1 of the submissions does not count toward it. Last evaluated 2026-08-01.

Conditions:
RPL18-related disorder. Also called: RPL18-related condition.

Allele frequency attached by ClinVar (database versions not stated): gnomAD below 0.00001 and 0.00020; TOPMed 0.00006; gnomAD exomes 0.00037 and 0.00072; ExAC 0.00085; 1000 Genomes Project 0.00180; 1000 Genomes Project 30x 0.00203.
gnomAD v4.1: 561 of 1,613,024 alleles (0.035%); highest among the groups gnomAD compares: South Asian, 0.59%; 5 homozygotes.

Submissions (4):

CeGaT Center for Human Genetics Tuebingen
Classification: Likely benign. Last evaluated: 2026-08-01. Review status: criteria provided, single submitter. Criteria: CeGaT Center For Human Genetics Tuebingen Variant Classification Criteria Version 2. Collection method: clinical testing. Allele origin: germline. Affected: yes. Observed: 1 variant allele.
Comment: RPL18: BP4, BP7

Labcorp Genetics (formerly Invitae), Labcorp
Classification: Benign. Last evaluated: 2026-01-12. Review status: criteria provided, single submitter. Criteria: Invitae Variant Classification Sherloc (09022015). Collection method: clinical testing. Allele origin: germline.

Blueprint Genetics
Classification: Likely benign. Last evaluated: 2024-06-14. Review status: criteria provided, single submitter. Criteria: ACMG Guidelines, 2015. Collection method: clinical testing. Allele origin: germline.

PreventionGenetics, part of Exact Sciences
Classification: Likely benign for RPL18-related condition. Last evaluated: 2019-11-12. Review status: no assertion criteria provided. Collection method: clinical testing. Allele origin: germline. Not counted in ClinVar's aggregate classification.
Comment: This variant is classified as likely benign based on ACMG/AMP sequence variant interpretation guidelines (Richards et al. 2015 PMID: 25741868, with internal and published modifications).

NM_000979.4(RPL18):c.6A>G (p.Gly2=)

Gene: RPL18 (ribosomal protein L18; minus strand). Cytogenetic location: 19q13.33.
Variant type: single nucleotide variant.
Coding change: c.6A>G on transcript NM_000979.4 (MANE Select); coding-DNA position 6, A replaced by G.
Protein change: p.Gly2=; no amino-acid change (glycine 2 retained).
Molecular consequence: synonymous variant. On other transcripts: non-coding transcript variant (1), intron variant (1).
Genome position (GRCh38, 1-based): chr19:48,617,875, T>C on the plus strand (A>G on the coding strand, the complement: RPL18 is on the minus strand). VCF-style: chr19-48617875-T-C. GRCh37 (hg19) VCF-style: chr19-49121132-T-C.
Other names: c.4-452A>G (NM_001270490.2).
Identifiers: ClinVar variation 756702 (VCV000756702.12), dbSNP rs568080288, ClinGen allele CA9554316.